The following is an entry in ClinVar:

NM_021942.6(TRAPPC11):c.386A>G (p.Gln129Arg)

Gene: TRAPPC11 (trafficking protein particle complex subunit 11; plus strand). Cytogenetic location: 4q35.1.
Variant type: single nucleotide variant.
Coding change: c.386A>G on transcript NM_021942.6 (MANE Select); coding-DNA position 386, A replaced by G.
Protein change: p.Gln129Arg; replaces glutamine 129 with arginine.
Molecular consequence: missense variant.
Genome position (GRCh38, 1-based): chr4:183,667,071, A>G. VCF-style: chr4-183667071-A-G. GRCh37 (hg19) VCF-style: chr4-184588224-A-G.
Other names: c.386A>G, p.Gln129Arg (NM_199053.3); short protein forms Q129R.
Identifiers: ClinVar variation 860138 (VCV000860138.8), dbSNP rs1734920268, ClinGen allele CA358859187.

ClinVar aggregate classification (germline): Uncertain significance (1 of 4 stars; one submission).

Conditions:
Autosomal recessive limb-girdle muscular dystrophy type R18 (LGMDR18). Also called: Limb-girdle muscular dystrophy, type 2S; MUSCULAR DYSTROPHY, LIMB-GIRDLE, AUTOSOMAL RECESSIVE 18; Autosomal recessive limb-girdle muscular dystrophy type 2S. Identifiers: Orphanet 369840, MedGen C4517996, MONDO:0014144, OMIM 615356.

Allele frequency attached by ClinVar (database versions not stated): gnomAD exomes below 0.00001; TOPMed below 0.00001.
gnomAD v4.1: 3 of 1,596,946 alleles (0.00019%); highest among the groups gnomAD compares: Middle Eastern, 0.017%; no homozygotes.

Submission:

Labcorp Genetics (formerly Invitae), Labcorp
Classification: Uncertain significance for Autosomal recessive limb-girdle muscular dystrophy type R18. Last evaluated: 2022-03-12. Review status: criteria provided, single submitter. Criteria: Invitae Variant Classification Sherloc (09022015). Collection method: clinical testing. Allele origin: germline.
Comment: This variant is not present in population databases (gnomAD no frequency). This sequence change replaces glutamine, which is neutral and polar, with arginine, which is basic and polar, at codon 129 of the TRAPPC11 protein (p.Gln129Arg). This variant has not been reported in the literature in individuals affected with TRAPPC11-related conditions. In summary, the available evidence is currently insufficient to determine the role of this variant in disease. Therefore, it has been classified as a Variant of Uncertain Significance. Algorithms developed to predict the effect of missense changes on protein structure and function (SIFT, PolyPhen-2, Align-GVGD) all suggest that this variant is likely to be tolerated. ClinVar contains an entry for this variant (Variation ID: 860138).